The following is an entry in ClinVar:

ClinVar aggregate classification (germline): Uncertain significance (1 of 4 stars; one submission).

Conditions:
Hereditary cancer-predisposing syndrome. Also called: Neoplastic Syndromes, Hereditary; Tumor predisposition; Hereditary Cancer Syndrome; Hereditary neoplastic syndrome. Identifiers: Orphanet 140162, MedGen C0027672, MeSH D009386, MONDO:0015356.

Submission:

Ambry Genetics
Classification: Uncertain significance for Hereditary cancer-predisposing syndrome. Last evaluated: 2025-11-18. Review status: criteria provided, single submitter. Criteria: Ambry Variant Classification Scheme 2023. Collection method: clinical testing. Allele origin: germline.
Comment: The p.P158H variant (also known as c.473C>A), located in coding exon 1 of the ALK gene, results from a C to A substitution at nucleotide position 473. The proline at codon 158 is replaced by histidine, an amino acid with similar properties. This amino acid position is conserved. In addition, the in silico prediction for this alteration is inconclusive. Based on the available evidence, the clinical significance of this variant remains unclear.

NM_004304.5(ALK):c.473C>A (p.Pro158His)

Gene: ALK (ALK receptor tyrosine kinase; minus strand). Cytogenetic location: 2p23.1.
Variant type: single nucleotide variant.
Coding change: c.473C>A on transcript NM_004304.5 (MANE Select); coding-DNA position 473, C replaced by A.
Protein change: p.Pro158His; replaces proline 158 with histidine.
Molecular consequence: missense variant.
Genome position (GRCh38, 1-based): chr2:29,920,187, G>T on the plus strand (C>A on the coding strand, the complement: ALK is on the minus strand). VCF-style: chr2-29920187-G-T. GRCh37 (hg19) VCF-style: chr2-30143053-G-T.
Other names: short protein forms P158H.
Identifiers: ClinVar variation 4679871 (VCV004679871.1).